The following is an entry in ClinVar:

ClinVar aggregate classification (germline): Pathogenic (1 of 4 stars; one submission).

Conditions:
3-Methylglutaconic aciduria type 2 (BTHS). Also called: CARDIOSKELETAL MYOPATHY WITH NEUTROPENIA AND ABNORMAL MITOCHONDRIA; Barth syndrome. Identifiers: Orphanet 111, MedGen C0574083, MONDO:0010543, OMIM 302060.

Submission:

Rady Children's Institute for Genomic Medicine, Rady Children's Hospital San Diego
Classification: Pathogenic for BARTH SYNDROME. Last evaluated: 2024-03-14. Review status: criteria provided, single submitter. Criteria: ACMG Guidelines, 2015. Collection method: clinical testing. Allele origin: germline. Affected: yes.
Comment: This frameshifting variant in exon 10 of 11 is predicted to result in loss of normal protein function through either protein truncation or nonsense-mediated mRNA decay. Loss-of-function variation in TAFAZZIN is an established mechanism of disease (PMID: 25299040). This variant has not been previously reported or functionally characterized in the literature to our knowledge. Loss-of-function variation within the same amino acid residue (p.Ile235AsnfsTer76) has been previously reported in individuals with Barth syndrome (PMID: 9345098). The c.703del (p.Ile235SerfsTer4) variant is absent from the gnomAD v4 population database and thus is presumed to be rare. Analysis of the maternal sample was negative for the variant, indicating the variant likely occurred as a de novo event. Based on the available evidence, c.703del (p.Ile235SerfsTer4) is classified as Pathogenic.

NM_000116.5(TAFAZZIN):c.703del (p.Ile235fs)

Gene: TAFAZZIN (tafazzin, phospholipid-lysophospholipid transacylase; plus strand). Cytogenetic location: Xq28.
Variant type: Deletion.
Coding change: c.703del on transcript NM_000116.5 (MANE Select); coding-DNA position 703, one base deleted (A; older notation c.703delA).
Protein change: p.Ile235fs; shifts the reading frame from isoleucine 235.
Molecular consequence: frameshift variant. On other transcripts: non-coding transcript variant (1).
Genome position (GRCh38, 1-based): chrX:154,420,661, A deleted; the last of 4 consecutive A bases (chrX:154,420,658-154,420,661); deleting any one gives the same sequence. VCF-style (leftmost placement, unchanged base first): chrX-154420657-GA-G. GRCh37 (hg19) VCF-style: chrX-153648996-GA-G.
Other names: c.613del, p.Ile205fs (NM_181311.4); c.661del, p.Ile221fs (NM_181312.4); c.571del, p.Ile191fs (NM_181313.4); c.715del, p.Ile239fs (NM_001303465.2); c.667del, p.Ile223fs (NM_001410698.1); short protein forms I191fs, I205fs, I221fs, I223fs, I235fs, I239fs.
Identifiers: ClinVar variation 3773817 (VCV003773817.1).